The following is an entry in ClinVar:

ClinVar aggregate classification (germline): Likely pathogenic (1 of 4 stars; one submission).

Conditions:
X-linked cone dysfunction syndrome with myopia. Also called: Bornholm eye disease; High myopia with nonprogressive cone dysfunction. Identifiers: Orphanet 90001, MedGen C3159311, MONDO:0010446, OMIM 300843.

Submission:

Ningxia Clinical Research Institute, People's Hospital of Ningxia Hui Autonomous Region
Classification: Likely pathogenic for X-linked cone dysfunction syndrome with myopia. Review status: criteria provided, single submitter. Criteria: ACMG Guidelines, 2015. Collection method: clinical testing. Allele origin: de novo. Inheritance: X-linked recessive inheritance. Affected: yes. Observed: 1 variant allele, 1 hemizygote.
Comment: According to the ACMG variant interpretation guidelines, the OPN1LW c.302_306dup (p.T103Qfs*12) variant meets the PVS1 criterion: this variant alters threonine at codon 103 to glutamine, triggering a frameshift and premature protein truncation. Second, the variant is absent from ExAC, gnomAD and the 1000 Genomes Asian population databases, satisfying moderate pathogenic evidence PM2. Combining PVS1 and PM2 evidence, this variant is classified as likely pathogenic.

NM_020061.6(OPN1LW):c.302_306dup (p.Thr103fs)

Gene: OPN1LW (opsin 1, long wave sensitive; plus strand). Cytogenetic location: Xq28.
Variant type: Duplication.
Coding change: c.302_306dup on transcript NM_020061.6 (MANE Select); coding-DNA positions 302 to 306, 5 bases duplicated (CAGAG; older notation c.302_306dupCAGAG).
Protein change: p.Thr103fs; shifts the reading frame from threonine 103.
Molecular consequence: frameshift variant.
Genome position (GRCh38, 1-based): chrX:154,150,845-154,150,849, CAGAG duplicated; duplicating any 5 consecutive bases within chrX:154,150,843-154,150,849 gives the same sequence; the c. name uses the placement nearest the transcript's 3' end. VCF-style (leftmost placement, unchanged base first): chrX-154150842-T-TAGCAG. GRCh37 (hg19) VCF-style: chrX-153416314-T-TAGCAG.
Other names: short protein forms T103fs.
Identifiers: ClinVar variation 4857716 (VCV004857716.1).